The following is an entry in ClinVar:

NM_000294.3(PHKG2):c.907A>C (p.Thr303Pro)

Gene: PHKG2 (phosphorylase kinase catalytic subunit gamma 2; plus strand). Cytogenetic location: 16p11.2.
Variant type: single nucleotide variant.
Coding change: c.907A>C on transcript NM_000294.3 (MANE Select); coding-DNA position 907, A replaced by C.
Protein change: p.Thr303Pro; replaces threonine 303 with proline.
Molecular consequence: missense variant.
Genome position (GRCh38, 1-based): chr16:30,756,695, A>C. VCF-style: chr16-30756695-A-C. GRCh37 (hg19) VCF-style: chr16-30768016-A-C.
Other names: c.907A>C, p.Thr303Pro (NM_001172432.2); short protein forms T303P.
Identifiers: ClinVar variation 1477102 (VCV001477102.5), dbSNP rs780358808, ClinGen allele CA8013328.

ClinVar aggregate classification (germline): Uncertain significance (1 of 4 stars; one submission).

Conditions:
Glycogen storage disease IXc (GSD9C). Also called: GSD IXc. Identifiers: Orphanet 264580, MedGen C2751643, MONDO:0013091, OMIM 613027.

gnomAD v4.1: 2 of 1,613,100 alleles (0.00012%); highest among the groups gnomAD compares: Non-Finnish European, 0.00017%; no homozygotes.

Submission:

Labcorp Genetics (formerly Invitae), Labcorp
Classification: Uncertain significance for Glycogen storage disease IXc. Last evaluated: 2021-09-01. Review status: criteria provided, single submitter. Criteria: Invitae Variant Classification Sherloc (09022015). Collection method: clinical testing. Allele origin: germline.
Comment: This sequence change replaces threonine with proline at codon 303 of the PHKG2 protein (p.Thr303Pro). The threonine residue is highly conserved and there is a small physicochemical difference between threonine and proline. This variant is present in population databases (rs780358808, ExAC 0.002%). This variant has not been reported in the literature in individuals affected with PHKG2-related conditions. Advanced modeling of protein sequence and biophysical properties (such as structural, functional, and spatial information, amino acid conservation, physicochemical variation, residue mobility, and thermodynamic stability) performed at Invitae indicates that this missense variant is not expected to disrupt PHKG2 protein function. In summary, the available evidence is currently insufficient to determine the role of this variant in disease. Therefore, it has been classified as a Variant of Uncertain Significance.